The following is an entry in ClinVar:

ClinVar aggregate classification (germline): Pathogenic (1 of 4 stars; one submission).

Submission:

Labcorp Genetics (formerly Invitae), Labcorp
Classification: Pathogenic. Last evaluated: 2020-06-12. Review status: criteria provided, single submitter. Criteria: Invitae Variant Classification Sherloc (09022015). Collection method: clinical testing. Allele origin: germline.
Comment: For these reasons, this variant has been classified as Pathogenic. Loss-of-function variants in PHEX are known to be pathogenic (PMID: 9097956, 9106524, 19219621). This variant has not been reported in the literature in individuals with PHEX-related conditions. This variant is not present in population databases (ExAC no frequency). This sequence change creates a premature translational stop signal (p.Pro671Leufs*16) in the PHEX gene. It is expected to result in an absent or disrupted protein product.

Literature cited by the submitters: PubMed 9097956; PubMed 9106524; PubMed 19219621.

NM_000444.6(PHEX):c.2012del (p.Pro671fs)

Genes: PHEX (phosphate regulating endopeptidase X-linked; plus strand), PTCHD1-AS (PTCHD1 and PHEX antisense RNA; minus strand). Cytogenetic location: Xp22.11.
Variant type: Deletion.
Coding change: c.2012del on transcript NM_000444.6 (MANE Select); coding-DNA position 2012, one base deleted (C; older notation c.2012delC).
Protein change: p.Pro671fs; shifts the reading frame from proline 671.
Molecular consequence: frameshift variant. On other transcripts: non-coding transcript variant (1).
Genome position (GRCh38, 1-based): chrX:22,227,553, C deleted; the last of 2 consecutive C bases (chrX:22,227,552-22,227,553); deleting either gives the same sequence. VCF-style (leftmost placement, unchanged base first): chrX-22227551-GC-G. GRCh37 (hg19) VCF-style: chrX-22245668-GC-G.
Other names: c.2012del, p.Pro671fs (NM_001282754.2); short protein forms P671fs.
Identifiers: ClinVar variation 1071240 (VCV001071240.7), dbSNP rs2147184665, ClinGen allele CA2499226587.
Genomic context (GRCh38, chrX:22,227,551, plus strand): 5'-CTTCTTCTCTCACCAGGCTTACAGGAAATGGATAAATGACAGAAGGCAGGGACTTGAGGA[GC>G]CTCTTCTACCAGGCATCACATTCACCAACAACCAGCTCTTCTTCCTGAGTTATGCTCATG-3'